The following is an entry in ClinVar:

NM_004727.3(SLC24A1):c.2558_2572dup (p.Gly853_Gly857dup)

Gene: SLC24A1 (solute carrier family 24 member 1; plus strand). Cytogenetic location: 15q22.31.
Variant type: Duplication.
Coding change: c.2558_2572dup on transcript NM_004727.3 (MANE Select); coding-DNA positions 2558 to 2572, 15 bases duplicated (GAAGTGATGGAGGGG).
Protein change: p.Gly853_Gly857dup.
Molecular consequence: inframe insertion.
Genome position (GRCh38, 1-based): chr15:65,650,707-65,650,721, GAAGTGATGGAGGGG duplicated; duplicating any 15 consecutive bases within chr15:65,650,697-65,650,721 gives the same sequence; the c. name uses the placement nearest the transcript's 3' end. VCF-style (leftmost placement, unchanged base first): chr15-65650696-A-AGATGGAGGGGGAAGT. GRCh37 (hg19) VCF-style: chr15-65943034-A-AGATGGAGGGGGAAGT.
Other names: c.539_553dup, p.Gly180_Gly184dup (NM_001254740.2); c.2558_2572dup, p.Gly853_Gly857dup (NM_001301031.1); c.2504_2518dup, p.Gly835_Gly839dup (NM_001301032.1, NM_001301033.2).
Identifiers: ClinVar variation 1495971 (VCV001495971.8), dbSNP rs1462298122, ClinGen allele CA618958012.
Genomic context (GRCh38, chr15:65,650,696, plus strand): 5'-AAGCCAGGAACTCAGTGCTGAAAATCACGGTGAAGCCAAAAATGATGAGAAAGGTGTAGA[A>AGATGGAGGGGGAAGT]GATGGAGGGGGAAGTGATGGAGGGGATAGCGAAGAGGAGGAAGAGGAGGAGGAAGAGCAG-3'

ClinVar aggregate classification (germline): Uncertain significance (1 of 4 stars; one submission).

Submission:

Labcorp Genetics (formerly Invitae), Labcorp
Classification: Uncertain significance. Last evaluated: 2022-03-10. Review status: criteria provided, single submitter. Criteria: Invitae Variant Classification Sherloc (09022015). Collection method: clinical testing. Allele origin: germline.
Comment: The frequency data for this variant in the population databases is considered unreliable, as metrics indicate poor data quality at this position in the gnomAD database. In summary, the available evidence is currently insufficient to determine the role of this variant in disease. Therefore, it has been classified as a Variant of Uncertain Significance. Experimental studies and prediction algorithms are not available or were not evaluated, and the functional significance of this variant is currently unknown. This variant has not been reported in the literature in individuals affected with SLC24A1-related conditions. This variant, c.2558_2572dup, results in the insertion of 5 amino acid(s) of the SLC24A1 protein (p.Gly853_Gly857dup), but otherwise preserves the integrity of the reading frame.